The following is an entry in ClinVar:

NM_014467.3(SRPX2):c.207C>T (p.Ala69=)

Gene: SRPX2 (sushi repeat containing protein X-linked 2; plus strand). Cytogenetic location: Xq22.1.
Variant type: single nucleotide variant.
Coding change: c.207C>T on transcript NM_014467.3 (MANE Select); coding-DNA position 207, C replaced by T.
Protein change: p.Ala69=; no amino-acid change (alanine 69 retained).
Molecular consequence: synonymous variant.
Genome position (GRCh38, 1-based): chrX:100,662,219, C>T. VCF-style: chrX-100662219-C-T. GRCh37 (hg19) VCF-style: chrX-99917216-C-T.
Identifiers: ClinVar variation 2062916 (VCV002062916.28), dbSNP rs771473814, ClinGen allele CA10469445.
Genomic context (GRCh38, chrX:100,662,219, plus strand): 5'-TTCTTCTATTGCTACAGTCCCCCGATGGTGTTATACATTAAATATCCAGGATGGAGAAGC[C>T]ACATGCTACTCACCGAAGGGAGGAAATTATCACAGCAGCCTGGGCACGCGTTGTGAGCTC-3'
Protein context (NP_055282.1, residues 59-79): CYTLNIQDGE[Ala69=]TCYSPKGGNY

ClinVar aggregate classification (germline): Likely benign. Review status: criteria provided, multiple submitters, no conflicts (2 of 4 stars). 2 submissions from 2 submitters: Likely benign (2). Last evaluated 2022-07-01.

Conditions:
Rolandic epilepsy, impaired intellectual development, and speech dyspraxia, X-linked. Also called: Rolandic epilepsy, intellectual disability, and speech dyspraxia, X-linked; Rolandic epilepsy, impaired intellectual development, and speech dyspraxia. Identifiers: MedGen C1845070, MONDO:0010388, OMIM 300643.

Allele frequency attached by ClinVar (database versions not stated): TOPMed 0.00001; gnomAD exomes 0.00003; ExAC 0.00006.
gnomAD v4.1: 41 of 1,211,491 alleles (0.0034%); highest among the groups gnomAD compares: Middle Eastern, 0.46%; 1 homozygote.

Submissions (2):

CeGaT Center for Human Genetics Tuebingen
Classification: Likely benign. Last evaluated: 2022-07-01. Review status: criteria provided, single submitter. Criteria: CeGaT Center For Human Genetics Tuebingen Variant Classification Criteria Version 2. Collection method: clinical testing. Allele origin: germline. Affected: yes. Observed: 2 variant alleles.
Comment: SRPX2: BP4, BP7

Labcorp Genetics (formerly Invitae), Labcorp
Classification: Likely benign for Rolandic epilepsy, impaired intellectual development, and speech dyspraxia, X-linked. Last evaluated: 2021-10-05. Review status: criteria provided, single submitter. Criteria: Invitae Variant Classification Sherloc (09022015). Collection method: clinical testing. Allele origin: germline.